The following is an entry in ClinVar:

ClinVar aggregate classification (germline): Uncertain significance. Review status: criteria provided, multiple submitters, no conflicts (2 of 4 stars). 2 submissions from 2 submitters: Uncertain significance (2). Last evaluated 2025-06-24.

Conditions:
Inborn genetic diseases. Identifiers: MedGen C0950123, MeSH D030342.

gnomAD v4.1: 9 of 1,524,360 alleles (0.00059%); highest among the groups gnomAD compares: African/African-American, 0.0014%; no homozygotes.

Submissions (2):

Ambry Genetics
Classification: Uncertain significance for Inborn genetic diseases. Last evaluated: 2025-06-24. Review status: criteria provided, single submitter. Criteria: Ambry Variant Classification Scheme 2023. Collection method: clinical testing. Allele origin: germline.

Labcorp Genetics (formerly Invitae), Labcorp
Classification: Uncertain significance. Last evaluated: 2020-09-27. Review status: criteria provided, single submitter. Criteria: Invitae Variant Classification Sherloc (09022015). Collection method: clinical testing. Allele origin: germline.
Comment: In summary, the available evidence is currently insufficient to determine the role of this variant in disease. Therefore, it has been classified as a Variant of Uncertain Significance. Algorithms developed to predict the effect of missense changes on protein structure and function are either unavailable or do not agree on the potential impact of this missense change (SIFT: "Tolerated"; PolyPhen-2: "Not Available"; Align-GVGD: "Class C0"). This variant has not been reported in the literature in individuals with BOLA3-related conditions. The frequency data for this variant in the population databases is considered unreliable, as metrics indicate insufficient coverage at this position in the ExAC database. This sequence change replaces serine with isoleucine at codon 5 of the BOLA3 protein (p.Ser5Ile). The serine residue is weakly conserved and there is a large physicochemical difference between serine and isoleucine.

NM_212552.3(BOLA3):c.14G>T (p.Ser5Ile)

Gene: BOLA3 (bolA family member 3; minus strand). Cytogenetic location: 2p13.1.
Variant type: single nucleotide variant.
Coding change: c.14G>T on transcript NM_212552.3 (MANE Select); coding-DNA position 14, G replaced by T.
Protein change: p.Ser5Ile; replaces serine 5 with isoleucine.
Molecular consequence: missense variant.
Genome position (GRCh38, 1-based): chr2:74,147,861, C>A on the plus strand (G>T on the coding strand, the complement: BOLA3 is on the minus strand). VCF-style: chr2-74147861-C-A. GRCh37 (hg19) VCF-style: chr2-74374988-C-A.
Other names: c.14G>T (NM_212552.2); c.14G>T, p.Ser5Ile (NM_001035505.2); short protein forms S5I.
Identifiers: ClinVar variation 1019413 (VCV001019413.7), dbSNP rs1422922995, ClinGen allele CA347313391.